The following is an entry in ClinVar:

NM_017617.5(NOTCH1):c.6070G>A (p.Val2024Ile)

Genes: NOTCH1 (notch receptor 1; minus strand), LOC126860794 (BRD4-independent group 4 enhancer GRCh37_chr9:139392592-139393791; plus strand). Cytogenetic location: 9q34.3.
Variant type: single nucleotide variant.
Coding change: c.6070G>A on transcript NM_017617.5 (MANE Select); coding-DNA position 6070, G replaced by A.
Protein change: p.Val2024Ile; replaces valine 2024 with isoleucine.
Molecular consequence: missense variant.
Genome position (GRCh38, 1-based): chr9:136,499,124, C>T on the plus strand (G>A on the coding strand, the complement: NOTCH1 is on the minus strand). VCF-style: chr9-136499124-C-T. GRCh37 (hg19) VCF-style: chr9-139393576-C-T.
Other names: c.6070G>A (NM_017617.3); short protein forms V2024I.
Identifiers: ClinVar variation 2200072 (VCV002200072.5), dbSNP rs774262180, ClinGen allele CA5340047.

ClinVar aggregate classification (germline): Conflicting classifications of pathogenicity. Review status: criteria provided, conflicting classifications (1 of 4 stars). 2 submissions from 2 submitters: Uncertain significance (1); Benign (1). Last evaluated 2025-04-19.

Conditions:
Familial thoracic aortic aneurysm and aortic dissection (TAAD). Also called: Thoracic aortic aneurysms and dissections. Identifiers: Orphanet 91387, MedGen C4707243, MONDO:0019625.
Adams-Oliver syndrome 5 (AOS5). Identifiers: Orphanet 974, MedGen C4014970, MONDO:0014459, OMIM 616028.

Allele frequency attached by ClinVar (database versions not stated): ExAC 0.00003.
gnomAD v4.1: 25 of 1,613,186 alleles (0.0015%); highest among the groups gnomAD compares: South Asian, 0.014%; no homozygotes.

Submissions (2):

Ambry Genetics
Classification: Uncertain significance for Familial thoracic aortic aneurysm and aortic dissection. Last evaluated: 2025-04-19. Review status: criteria provided, single submitter. Criteria: Ambry Variant Classification Scheme 2023. Collection method: clinical testing. Allele origin: germline.
Comment: The p.V2024I variant (also known as c.6070G>A), located in coding exon 32 of the NOTCH1 gene, results from a G to A substitution at nucleotide position 6070. The valine at codon 2024 is replaced by isoleucine, an amino acid with highly similar properties. This amino acid position is conserved. In addition, this alteration is predicted to be tolerated by in silico analysis. Based on the available evidence, the clinical significance of this variant remains unclear.

Labcorp Genetics (formerly Invitae), Labcorp
Classification: Benign for Adams-Oliver syndrome 5. Last evaluated: 2023-04-06. Review status: criteria provided, single submitter. Criteria: Invitae Variant Classification Sherloc (09022015). Collection method: clinical testing. Allele origin: germline.